The following is an entry in ClinVar:

NM_014714.4(IFT140):c.1525-5_1525-3del

Gene: IFT140 (intraflagellar transport 140; minus strand). Cytogenetic location: 16p13.3.
Variant type: Deletion.
Coding change: c.1525-5_1525-3del on transcript NM_014714.4 (MANE Select); 5 bases into the intron before coding-DNA position 1525 through 3 bases into the intron before coding-DNA position 1525, 3 bases deleted (CTC; older notation c.1525-5_1525-3delCTC).
Molecular consequence: intron variant.
Genome position (GRCh38, 1-based): chr16:1,571,537-1,571,539, GAG deleted on the plus strand (CTC on the coding strand, the reverse complement: IFT140 is on the minus strand); deleting any 3 consecutive bases within chr16:1,571,537-1,571,541 gives the same sequence; the c. name uses the placement nearest the transcript's 3' end. VCF-style (leftmost placement, unchanged base first): chr16-1571536-TGAG-T. GRCh37 (hg19) VCF-style: chr16-1621537-TGAG-T.
Identifiers: ClinVar variation 1347337 (VCV001347337.6), dbSNP rs757146365, ClinGen allele CA7814231.

ClinVar aggregate classification (germline): Uncertain significance (1 of 4 stars; one submission).

Conditions:
Saldino-Mainzer syndrome (SRTD9). Also called: CONORENAL SYNDROME; Renal dysplasia, retinal pigmentary dystrophy, cerebellar ataxia and skeletal dysplasia; SHORT-RIB THORACIC DYSPLASIA 9 WITHOUT POLYDACTYLY; short-rib thoracic dysplasia 9 with or without polydactyly. Identifiers: Orphanet 140969, MedGen C1849437, MONDO:0009964, OMIM 266920.

Submission:

Labcorp Genetics (formerly Invitae), Labcorp
Classification: Uncertain significance for Saldino-Mainzer syndrome. Last evaluated: 2022-07-06. Review status: criteria provided, single submitter. Criteria: Invitae Variant Classification Sherloc (09022015). Collection method: clinical testing. Allele origin: germline.
Comment: This sequence change falls in intron 13 of the IFT140 gene. It does not directly change the encoded amino acid sequence of the IFT140 protein. It affects a nucleotide within the consensus splice site. This variant is present in population databases (rs757146365, gnomAD 0.007%). This variant has not been reported in the literature in individuals affected with IFT140-related conditions. ClinVar contains an entry for this variant (Variation ID: 1347337). Variants that disrupt the consensus splice site are a relatively common cause of aberrant splicing (PMID: 17576681, 9536098). Algorithms developed to predict the effect of sequence changes on RNA splicing suggest that this variant is not likely to affect RNA splicing. In summary, the available evidence is currently insufficient to determine the role of this variant in disease. Therefore, it has been classified as a Variant of Uncertain Significance.

Literature cited by the submitters: PubMed 17576681; PubMed 9536098.